The following is an entry in ClinVar:

ClinVar aggregate classification (germline): Pathogenic (1 of 4 stars; one submission).

Conditions:
Methylmalonic aciduria and homocystinuria type cblF. Also called: METHYLMALONIC ACIDEMIA AND HOMOCYSTINURIA, cblF TYPE; METHYLMALONIC ACIDURIA DUE TO VITAMIN B12-RELEASE DEFECT; VITAMIN B12 LYSOSOMAL RELEASE DEFECT; VITAMIN B12 STORAGE DISEASE; COBALAMIN F DISEASE; COBALAMIN, DEFECT IN LYSOSOMAL RELEASE OF. Identifiers: Orphanet 79284, MedGen C1848578, MONDO:0010183, OMIM 277380.

Allele frequency attached by ClinVar (database versions not stated): TOPMed below 0.00001; gnomAD exomes 0.00001; ExAC 0.00002.

Submission:

Labcorp Genetics (formerly Invitae), Labcorp
Classification: Pathogenic for Methylmalonic aciduria and homocystinuria type cblF. Last evaluated: 2024-08-29. Review status: criteria provided, single submitter. Criteria: Invitae Variant Classification Sherloc (09022015). Collection method: clinical testing. Allele origin: germline.
Comment: This sequence change creates a premature translational stop signal (p.Leu22Thrfs*14) in the LMBRD1 gene. It is expected to result in an absent or disrupted protein product. Loss-of-function variants in LMBRD1 are known to be pathogenic (PMID: 19136951, 21303734). This variant is present in population databases (rs760649724, gnomAD 0.005%). This variant has not been reported in the literature in individuals affected with LMBRD1-related conditions. For these reasons, this variant has been classified as Pathogenic.

Literature cited by the submitters: PubMed 19136951; PubMed 21303734.

NM_018368.4(LMBRD1):c.63dup (p.Leu22fs)

Gene: LMBRD1 (LMBR1 domain containing 1; minus strand). Cytogenetic location: 6q13.
Variant type: Duplication.
Coding change: c.63dup on transcript NM_018368.4 (MANE Select); coding-DNA position 63, one base duplicated (A; older notation c.63dupA).
Protein change: p.Leu22fs; shifts the reading frame from leucine 22.
Molecular consequence: frameshift variant.
Genome position (GRCh38, 1-based): chr6:69,796,819, T duplicated on the plus strand (A on the coding strand, the reverse complement: LMBRD1 is on the minus strand). VCF-style (leftmost placement, unchanged base first): chr6-69796818-G-GT. GRCh37 (hg19) VCF-style: chr6-70506710-G-GT.
Other names: short protein forms L22fs.
Identifiers: ClinVar variation 2896786 (VCV002896786.3), dbSNP rs35350789, ClinGen allele CA3880030.